The following is an entry in ClinVar:

NM_006147.4(IRF6):c.154G>T (p.Glu52Ter)

Gene: IRF6 (interferon regulatory factor 6; minus strand). Cytogenetic location: 1q32.2.
Variant type: single nucleotide variant.
Coding change: c.154G>T on transcript NM_006147.4 (MANE Select); coding-DNA position 154, G replaced by T.
Protein change: p.Glu52Ter; replaces glutamic acid 52 with a stop codon.
Molecular consequence: nonsense. On other transcripts: intron variant (1).
Genome position (GRCh38, 1-based): chr1:209,801,260, C>A on the plus strand (G>T on the coding strand, the complement: IRF6 is on the minus strand). VCF-style: chr1-209801260-C-A. GRCh37 (hg19) VCF-style: chr1-209974605-C-A.
Other names: c.-112+4687G>T (NM_001206696.2); short protein forms E52*.
Identifiers: ClinVar variation 265480 (VCV000265480.2), dbSNP rs886039570, ClinGen allele CA10588280.
Genomic context (GRCh38, chr1:209,801,260, plus strand): 5'-AAAAATCCAGAAAGGTCTGATGGTAGAAGAAGTCCTTTACCTTAAAAATGGTATTTTCCT[C>A]TTCTTGTTGAGGGCTATGCCGGGTGGCATGTTTCCAGGGAATCTGGAAGCGTTTAGAGTC-3'

ClinVar aggregate classification (germline): Pathogenic (1 of 4 stars; one submission).

Submission:

GeneDx
Classification: Pathogenic. Last evaluated: 2015-12-10. Review status: criteria provided, single submitter. Criteria: GeneDx Variant Classification (06012015). Collection method: clinical testing. Allele origin: germline. Affected: yes.
Comment: The E52X nonsense variant in the IRF6 gene has been reported previously in association with van der Woude syndrome (de Lima et al., 2009), and its presence is consistent with the diagnosis in this patient. This pathogenic variant is predicted to cause loss of normal protein function either through protein truncation or nonsense-mediated mRNA decay. E52X was not observed in approximately 6,500 individuals of European and African American ancestry in the NHLBI Exome Sequencing Project, indicating it is not a common benign variant in these populations.